The following is an entry in ClinVar:

NM_003579.4(RAD54L):c.752T>C (p.Ile251Thr)

Gene: RAD54L (RAD54 like; plus strand). Cytogenetic location: 1p34.1.
Variant type: single nucleotide variant.
Coding change: c.752T>C on transcript NM_003579.4 (MANE Select); coding-DNA position 752, T replaced by C.
Protein change: p.Ile251Thr; replaces isoleucine 251 with threonine.
Molecular consequence: missense variant.
Genome position (GRCh38, 1-based): chr1:46,261,001, T>C. VCF-style: chr1-46261001-T-C. GRCh37 (hg19) VCF-style: chr1-46726673-T-C.
Other names: c.752T>C, p.Ile251Thr (NM_001142548.2); c.212T>C, p.Ile71Thr (NM_001370766.1); short protein forms I251T, I71T.
Identifiers: ClinVar variation 1759379 (VCV001759379.2), dbSNP rs1416960892, ClinGen allele CA340188007.

ClinVar aggregate classification (germline): Uncertain significance (1 of 4 stars; one submission).

Allele frequency attached by ClinVar (database versions not stated): gnomAD exomes below 0.00001.
gnomAD v4.1: 6 of 1,613,510 alleles (0.00037%); highest among the groups gnomAD compares: Non-Finnish European, 0.00051%; no homozygotes.

Submission:

Ambry Genetics
Classification: Uncertain significance. Last evaluated: 2021-11-22. Review status: criteria provided, single submitter. Criteria: Ambry Variant Classification Scheme 2023. Collection method: clinical testing. Allele origin: germline.
Comment: The p.I251T variant (also known as c.752T>C), located in coding exon 7 of the RAD54L gene, results from a T to C substitution at nucleotide position 752. The isoleucine at codon 251 is replaced by threonine, an amino acid with similar properties. This amino acid position is conserved. In addition, this alteration is predicted to be deleterious by in silico analysis. Since supporting evidence is limited at this time, the clinical significance of this alteration remains unclear.